The following is an entry in ClinVar:

ClinVar aggregate classification (germline): Pathogenic (1 of 4 stars; one submission).

Conditions:
Myoclonic dystonia 11 (DYT11). Also called: Myoclonic dystonia; Dystonia 11; Dystonia, alcohol responsive; Hereditary essential myoclonus; SGCE Myoclonus-Dystonia; Myoclonus-Dystonia. Identifiers: Orphanet 36899, MedGen C1834570, MONDO:0008044, OMIM 159900.

Allele frequency attached by ClinVar (database versions not stated): gnomAD exomes below 0.00001.
gnomAD v4.1: 1 of 1,610,664 alleles (0.000062%); highest among the groups gnomAD compares: Non-Finnish European, 0.000085%; no homozygotes.

Submission:

Labcorp Genetics (formerly Invitae), Labcorp
Classification: Pathogenic for Myoclonic dystonia 11. Last evaluated: 2023-01-22. Review status: criteria provided, single submitter. Criteria: Invitae Variant Classification Sherloc (09022015). Collection method: clinical testing. Allele origin: germline.
Comment: For these reasons, this variant has been classified as Pathogenic. Algorithms developed to predict the effect of sequence changes on RNA splicing suggest that this variant may disrupt the consensus splice site. Disruption of this splice site has been observed in individuals with clinical features of SGCE-related conditions (PMID: 16227522, 18175340). It has also been observed to segregate with disease in related individuals. This variant is not present in population databases (gnomAD no frequency). This sequence change affects a donor splice site in intron 2 of the SGCE gene. It is expected to disrupt RNA splicing. Variants that disrupt the donor or acceptor splice site typically lead to a loss of protein function (PMID: 16199547), and loss-of-function variants in SGCE are known to be pathogenic (PMID: 12821748, 15389977, 17853490, 24297365).

Literature cited by the submitters: PubMed 16227522; PubMed 18175340; PubMed 16199547; PubMed 12821748; PubMed 15389977; PubMed 17853490; PubMed 24297365.

NM_003919.3(SGCE):c.232+1G>C

Genes: CASD1 (CAS1 domain sialic acid O acetyltransferase 1; plus strand), SGCE (sarcoglycan epsilon; minus strand). Cytogenetic location: 7q21.3.
Variant type: single nucleotide variant.
Coding change: c.232+1G>C on transcript NM_003919.3 (MANE Select); the canonical splice donor site of the intron after coding-DNA position 232, G replaced by C.
Molecular consequence: splice donor variant. On other transcripts: intron variant (2).
Genome position (GRCh38, 1-based): chr7:94,629,718, C>G on the plus strand (G>C on the coding strand, the complement: SGCE is on the minus strand). VCF-style: chr7-94629718-C-G. GRCh37 (hg19) VCF-style: chr7-94259030-C-G.
Other names: c.110-1359G>C (NM_001362809.2, NM_001301139.2); c.232+1G>C (NM_001346717.2, NM_001099400.2, NM_001099401.2); c.340+1G>C (NM_001346715.2, NM_001346713.2); c.145+1G>C (NM_001362807.2, NM_001346719.2); c.-42+1G>C (NM_001362808.2, NM_001346720.2).
Identifiers: ClinVar variation 2830926 (VCV002830926.3), dbSNP rs1057517990, ClinGen allele CA368238920.